The following is an entry in ClinVar:

ClinVar aggregate classification (germline): Pathogenic (1 of 4 stars; one submission).

Submissions (2):

Labcorp Genetics (formerly Invitae), Labcorp
Classification: Pathogenic. Last evaluated: 2023-10-19. Review status: criteria provided, single submitter. Criteria: Invitae Variant Classification Sherloc (09022015). Collection method: clinical testing. Allele origin: germline.
Comment: This sequence change affects an acceptor splice site in intron 3 of the CTNNB1 gene. It is expected to disrupt RNA splicing. Variants that disrupt the donor or acceptor splice site typically lead to a loss of protein function (PMID: 16199547), and loss-of-function variants in CTNNB1 are known to be pathogenic (PMID: 23033978, 24614104, 25326669, 26350204, 28575650). This variant is not present in population databases (gnomAD no frequency). Disruption of this splice site has been observed in individual(s) with exudative vitreoretinopathy (Invitae). In at least one individual the variant was observed to be de novo. ClinVar contains an entry for this variant (Variation ID: 1465285). Algorithms developed to predict the effect of sequence changes on RNA splicing suggest that this variant may disrupt the consensus splice site. For these reasons, this variant has been classified as Pathogenic.

Dr. Peter K. Rogan Lab, Western University
No classification provided (evidence only). Condition: Nonpapillary renal cell carcinoma. Review status: no classification provided. Collection method: in vitro. Allele origin: not applicable. Functional consequence: retained intron. Not counted in ClinVar's aggregate classification.

Literature cited by the submitters: PubMed 16199547 (cited by Labcorp Genetics (formerly Invitae), Labcorp); PubMed 23033978 (cited by Labcorp Genetics (formerly Invitae), Labcorp); PubMed 24614104 (cited by Labcorp Genetics (formerly Invitae), Labcorp); PubMed 25326669 (cited by Labcorp Genetics (formerly Invitae), Labcorp); PubMed 26350204 (cited by Labcorp Genetics (formerly Invitae), Labcorp); PubMed 28575650 (cited by Labcorp Genetics (formerly Invitae), Labcorp).

NM_001904.4(CTNNB1):c.242-2A>G

Genes: CTNNB1 (catenin beta 1; plus strand), LOC126806658 (BRD4-independent group 4 enhancer GRCh37_chr3:41265899-41267098; plus strand). Cytogenetic location: 3p22.1.
Variant type: single nucleotide variant.
Coding change: c.242-2A>G on transcript NM_001904.4 (MANE Select); the canonical splice acceptor site of the intron before coding-DNA position 242, A replaced by G.
Molecular consequence: splice acceptor variant.
Genome position (GRCh38, 1-based): chr3:41,224,952, A>G. VCF-style: chr3-41224952-A-G. GRCh37 (hg19) VCF-style: chr3-41266443-A-G.
Other names: c.221-2A>G (NM_001330729.2); c.242-2A>G (NM_001098209.2, NM_001098210.2).
Identifiers: ClinVar variation 1465285 (VCV001465285.7), dbSNP rs2125619553, ClinGen allele CA352228851.
Genomic context (GRCh38, chr3:41,224,952, plus strand): 5'-ATAGCAAATACTTAGGTAAATGCTGAACTGTGGATAGTGAGTGTTGAATTAACCTTTTCC[A>G]GATATTGATGGACAGTATGCAATGACTCGAGCTCAGAGGGTACGAGCTGCTATGTTCCCT-3'